The following is an entry in ClinVar:

ClinVar aggregate classification (germline): Uncertain significance. Review status: criteria provided, multiple submitters, no conflicts (2 of 4 stars). 2 submissions from 2 submitters: Uncertain significance (2). Last evaluated 2025-07-21.

Conditions:
Neuroblastoma, susceptibility to, 3. Also called: ALK-Related Neuroblastic Tumor Susceptibility. Identifiers: Orphanet 635, MedGen C2751681, MONDO:0013083, OMIM 613014.
Hereditary cancer-predisposing syndrome. Also called: Hereditary neoplastic syndrome; Neoplastic Syndromes, Hereditary; Hereditary Cancer Syndrome; Tumor predisposition. Identifiers: Orphanet 140162, MedGen C0027672, MeSH D009386, MONDO:0015356.

Allele frequency attached by ClinVar (database versions not stated): gnomAD below 0.00001 and 0.00001; gnomAD exomes below 0.00001.
gnomAD v4.1: 4 of 1,614,138 alleles (0.00025%); highest among the groups gnomAD compares: East Asian, 0.0067%; no homozygotes.

Submissions (2):

Ambry Genetics
Classification: Uncertain significance for Hereditary cancer-predisposing syndrome. Last evaluated: 2025-07-21. Review status: criteria provided, single submitter. Criteria: Ambry Variant Classification Scheme 2023. Collection method: clinical testing. Allele origin: germline.
Comment: The p.A1479V variant (also known as c.4436C>T), located in coding exon 29 of the ALK gene, results from a C to T substitution at nucleotide position 4436. The alanine at codon 1479 is replaced by valine, an amino acid with similar properties. This amino acid position is conserved. In addition, the in silico prediction for this alteration is inconclusive. Since supporting evidence is limited at this time, the clinical significance of this alteration remains unclear.

Labcorp Genetics (formerly Invitae), Labcorp
Classification: Uncertain significance for Neuroblastoma, susceptibility to, 3. Last evaluated: 2022-09-07. Review status: criteria provided, single submitter. Criteria: Invitae Variant Classification Sherloc (09022015). Collection method: clinical testing. Allele origin: germline.
Comment: This sequence change replaces alanine, which is neutral and non-polar, with valine, which is neutral and non-polar, at codon 1479 of the ALK protein (p.Ala1479Val). This variant is not present in population databases (gnomAD no frequency). This variant has not been reported in the literature in individuals affected with ALK-related conditions. ClinVar contains an entry for this variant (Variation ID: 570054). Algorithms developed to predict the effect of missense changes on protein structure and function are either unavailable or do not agree on the potential impact of this missense change (SIFT: "Deleterious"; PolyPhen-2: "Probably Damaging"; Align-GVGD: "Class C0"). Algorithms developed to predict the effect of sequence changes on RNA splicing suggest that this variant may create or strengthen a splice site. In summary, the available evidence is currently insufficient to determine the role of this variant in disease. Therefore, it has been classified as a Variant of Uncertain Significance.

NM_004304.5(ALK):c.4436C>T (p.Ala1479Val)

Gene: ALK (ALK receptor tyrosine kinase; minus strand). Cytogenetic location: 2p23.2.
Variant type: single nucleotide variant.
Coding change: c.4436C>T on transcript NM_004304.5 (MANE Select); coding-DNA position 4436, C replaced by T.
Protein change: p.Ala1479Val; replaces alanine 1479 with valine.
Molecular consequence: missense variant.
Genome position (GRCh38, 1-based): chr2:29,193,651, G>A on the plus strand (C>T on the coding strand, the complement: ALK is on the minus strand). VCF-style: chr2-29193651-G-A. GRCh37 (hg19) VCF-style: chr2-29416517-G-A.
Other names: c.1232C>T, p.Ala411Val (NM_001353765.2); short protein forms A1479V, A411V.
Identifiers: ClinVar variation 570054 (VCV000570054.13), dbSNP rs1558603789, ClinGen allele CA346462097.